The following is an entry in ClinVar:

NM_000632.4(ITGAM):c.3232G>T (p.Val1078Leu)

Gene: ITGAM (integrin subunit alpha M; plus strand). Cytogenetic location: 16p11.2.
Variant type: single nucleotide variant.
Coding change: c.3232G>T on transcript NM_000632.4 (MANE Select); coding-DNA position 3232, G replaced by T.
Protein change: p.Val1078Leu; replaces valine 1078 with leucine.
Molecular consequence: missense variant.
Genome position (GRCh38, 1-based): chr16:31,330,561, G>T. VCF-style: chr16-31330561-G-T. GRCh37 (hg19) VCF-style: chr16-31341882-G-T.
Other names: c.3235G>T, p.Val1079Leu (NM_001145808.2); short protein forms V1078L, V1079L.
Identifiers: ClinVar variation 2797090 (VCV002797090.3), dbSNP rs1180453873, ClinGen allele CA395704658.

ClinVar aggregate classification (germline): Uncertain significance (1 of 4 stars; one submission).

gnomAD v4.1: 1 of 1,613,198 alleles (0.000062%); highest among the groups gnomAD compares: Non-Finnish European, 0.000085%; no homozygotes.

Submission:

Labcorp Genetics (formerly Invitae), Labcorp
Classification: Uncertain significance. Last evaluated: 2023-09-21. Review status: criteria provided, single submitter. Criteria: Invitae Variant Classification Sherloc (09022015). Collection method: clinical testing. Allele origin: germline.
Comment: In summary, the available evidence is currently insufficient to determine the role of this variant in disease. Therefore, it has been classified as a Variant of Uncertain Significance. An algorithm developed to predict the effect of missense changes on protein structure and function (PolyPhen-2) suggests that this variant is likely to be tolerated. This variant has not been reported in the literature in individuals affected with ITGAM-related conditions. This variant is not present in population databases (gnomAD no frequency). This sequence change replaces valine, which is neutral and non-polar, with leucine, which is neutral and non-polar, at codon 1078 of the ITGAM protein (p.Val1078Leu).